The following is an entry in ClinVar:

NM_001942.4(DSG1):c.49-3C>T

Gene: DSG1 (desmoglein 1; plus strand). Cytogenetic location: 18q12.1.
Variant type: single nucleotide variant.
Coding change: c.49-3C>T on transcript NM_001942.4 (MANE Select); 3 bases into the intron before coding-DNA position 49, C replaced by T.
Molecular consequence: intron variant.
Genome position (GRCh38, 1-based): chr18:31,326,578, C>T. VCF-style: chr18-31326578-C-T. GRCh37 (hg19) VCF-style: chr18-28906541-C-T.
Identifiers: ClinVar variation 3621557 (VCV003621557.2).

ClinVar aggregate classification (germline): Uncertain significance (1 of 4 stars; one submission).

gnomAD v4.1: 5 of 1,596,384 alleles (0.00031%); highest among the groups gnomAD compares: Admixed American, 0.0067%; no homozygotes.

Submission:

Labcorp Genetics (formerly Invitae), Labcorp
Classification: Uncertain significance. Last evaluated: 2024-05-23. Review status: criteria provided, single submitter. Criteria: Invitae Variant Classification Sherloc (09022015). Collection method: clinical testing. Allele origin: germline.
Comment: This sequence change falls in intron 1 of the DSG1 gene. It does not directly change the encoded amino acid sequence of the DSG1 protein. It affects a nucleotide within the consensus splice site. This variant is present in population databases (rs772533514, gnomAD 0.009%). This variant has not been reported in the literature in individuals affected with DSG1-related conditions. Variants that disrupt the consensus splice site are a relatively common cause of aberrant splicing (PMID: 17576681, 9536098). Algorithms developed to predict the effect of sequence changes on RNA splicing suggest that this variant is not likely to affect RNA splicing. In summary, the available evidence is currently insufficient to determine the role of this variant in disease. Therefore, it has been classified as a Variant of Uncertain Significance.

Literature cited by the submitters: PubMed 17576681; PubMed 9536098.